The following is an entry in ClinVar:

NM_025081.3(NYNRIN):c.4096G>C (p.Gly1366Arg)

Gene: NYNRIN (NYN domain and retroviral integrase containing; plus strand). Cytogenetic location: 14q12.
Variant type: single nucleotide variant.
Coding change: c.4096G>C on transcript NM_025081.3 (MANE Select); coding-DNA position 4096, G replaced by C.
Protein change: p.Gly1366Arg; replaces glycine 1366 with arginine.
Molecular consequence: missense variant.
Genome position (GRCh38, 1-based): chr14:24,415,845, G>C. VCF-style: chr14-24415845-G-C. GRCh37 (hg19) VCF-style: chr14-24885051-G-C.
Other names: short protein forms G1366R.
Identifiers: ClinVar variation 4751352 (VCV004751352.1).

ClinVar aggregate classification (germline): Uncertain significance (1 of 4 stars; one submission).

gnomAD v4.1: 56 of 1,613,816 alleles (0.0035%); highest among the groups gnomAD compares: Admixed American, 0.023%; no homozygotes.

Submission:

Labcorp Genetics (formerly Invitae), Labcorp
Classification: Uncertain significance. Last evaluated: 2025-11-25. Review status: criteria provided, single submitter. Criteria: Invitae Variant Classification Sherloc (09022015). Collection method: clinical testing. Allele origin: germline.
Comment: This sequence change replaces glycine, which is neutral and non-polar, with arginine, which is basic and polar, at codon 1366 of the NYNRIN protein (p.Gly1366Arg). This variant is present in population databases (rs753348018, gnomAD 0.03%). This variant has not been reported in the literature in individuals affected with NYNRIN-related conditions. Experimental studies and prediction algorithms are not available or were not evaluated, and the functional significance of this variant is currently unknown. In summary, the available evidence is currently insufficient to determine the role of this variant in disease. Therefore, it has been classified as a Variant of Uncertain Significance.